The following is an entry in ClinVar:

NM_004153.4(ORC1):c.1697T>C (p.Ile566Thr)

Gene: ORC1 (origin recognition complex subunit 1; minus strand). Cytogenetic location: 1p32.3.
Variant type: single nucleotide variant.
Coding change: c.1697T>C on transcript NM_004153.4 (MANE Select); coding-DNA position 1697, T replaced by C.
Protein change: p.Ile566Thr; replaces isoleucine 566 with threonine.
Molecular consequence: missense variant.
Genome position (GRCh38, 1-based): chr1:52,384,608, A>G on the plus strand (T>C on the coding strand, the complement: ORC1 is on the minus strand). VCF-style: chr1-52384608-A-G. GRCh37 (hg19) VCF-style: chr1-52850280-A-G.
Other names: c.1697T>C, p.Ile566Thr (NM_001190818.2); c.1682T>C, p.Ile561Thr (NM_001190819.2); c.1697T>C (NM_004153.3); short protein forms I561T, I566T.
Identifiers: ClinVar variation 1428340 (VCV001428340.9), dbSNP rs1006020201, ClinGen allele CA22510297.
Genomic context (GRCh38, chr1:52,384,608, plus strand): 5'-ACCTGCAAGATTTGCACATAGACTTGGTGGGGCTCCGTCAGCTTCATGCCATTGACCTCA[A>G]TGTATTGAAAGGGAGGAACATCATTGGCTTGGGCTGCCTGCTGCAGGCAGCGTATCACTT-3'
Protein context (NP_004144.2, residues 556-576): QANDVPPFQY[Ile566Thr]EVNGMKLTEP

ClinVar aggregate classification (germline): Uncertain significance. Review status: criteria provided, multiple submitters, no conflicts (2 of 4 stars). 2 submissions from 2 submitters: Uncertain significance (2). Last evaluated 2024-10-24.

Conditions:
Inborn genetic diseases. Identifiers: MedGen C0950123, MeSH D030342.

Submissions (2):

Ambry Genetics
Classification: Uncertain significance for Inborn genetic diseases. Last evaluated: 2024-10-24. Review status: criteria provided, single submitter. Criteria: Ambry Variant Classification Scheme 2023. Collection method: clinical testing. Allele origin: germline.

Labcorp Genetics (formerly Invitae), Labcorp
Classification: Uncertain significance. Last evaluated: 2021-06-02. Review status: criteria provided, single submitter. Criteria: Invitae Variant Classification Sherloc (09022015). Collection method: clinical testing. Allele origin: germline.
Comment: This sequence change replaces isoleucine with threonine at codon 566 of the ORC1 protein (p.Ile566Thr). The isoleucine residue is weakly conserved and there is a moderate physicochemical difference between isoleucine and threonine. This variant is not present in population databases (ExAC no frequency). This variant has not been reported in the literature in individuals with ORC1-related conditions. Algorithms developed to predict the effect of missense changes on protein structure and function (SIFT, PolyPhen-2, Align-GVGD) all suggest that this variant is likely to be disruptive, but these predictions have not been confirmed by published functional studies and their clinical significance is uncertain. In summary, the available evidence is currently insufficient to determine the role of this variant in disease. Therefore, it has been classified as a Variant of Uncertain Significance.